The following is an entry in ClinVar:

ClinVar aggregate classification (germline): Likely benign. Review status: criteria provided, multiple submitters, no conflicts (2 of 4 stars). 4 submissions from 4 submitters: Likely benign (4). Last evaluated 2026-03-01.

Conditions:
FERMT1-related disorder. Also called: FERMT1-related condition.

Allele frequency attached by ClinVar (database versions not stated): TOPMed 0.00026; 1000 Genomes Project 30x 0.00031; gnomAD exomes 0.00034 and 0.00047; gnomAD 0.00037 and 0.00038; ESP Exome Variant Server 0.00038; ExAC 0.00039; 1000 Genomes Project 0.00040.
gnomAD v4.1: 743 of 1,614,132 alleles (0.046%); highest among the groups gnomAD compares: Non-Finnish European, 0.058%; 2 homozygotes.

Submissions (4):

CeGaT Center for Human Genetics Tuebingen
Classification: Likely benign. Last evaluated: 2026-03-01. Review status: criteria provided, single submitter. Criteria: CeGaT Center For Human Genetics Tuebingen Variant Classification Criteria Version 2. Collection method: clinical testing. Allele origin: germline. Affected: yes. Observed: 3 variant alleles.
Comment: FERMT1: BP4, BP7

Labcorp Genetics (formerly Invitae), Labcorp
Classification: Likely benign. Last evaluated: 2025-12-08. Review status: criteria provided, single submitter. Criteria: Invitae Variant Classification Sherloc (09022015). Collection method: clinical testing. Allele origin: germline.

PreventionGenetics, part of Exact Sciences
Classification: Likely benign for FERMT1-related condition. Last evaluated: 2025-04-05. Review status: criteria provided, single submitter. Criteria: ACMG Guidelines, 2015. Collection method: clinical testing. Allele origin: germline.
Comment: This variant is classified as likely benign based on ACMG/AMP sequence variant interpretation guidelines (Richards et al. 2015 PMID: 25741868, with internal and published modifications).

Blueprint Genetics
Classification: Likely benign. Last evaluated: 2024-11-04. Review status: criteria provided, single submitter. Criteria: ACMG Guidelines, 2015. Collection method: clinical testing. Allele origin: germline.

NM_017671.5(FERMT1):c.306G>A (p.Pro102=)

Gene: FERMT1 (FERM domain containing kindlin 1; minus strand). Cytogenetic location: 20p12.3.
Variant type: single nucleotide variant.
Coding change: c.306G>A on transcript NM_017671.5 (MANE Select); coding-DNA position 306, G replaced by A.
Protein change: p.Pro102=; no amino-acid change (proline 102 retained).
Molecular consequence: synonymous variant.
Genome position (GRCh38, 1-based): chr20:6,115,890, C>T on the plus strand (G>A on the coding strand, the complement: FERMT1 is on the minus strand). VCF-style: chr20-6115890-C-T. GRCh37 (hg19) VCF-style: chr20-6096537-C-T.
Other names: c.306G>A (NM_017671.4).
Identifiers: ClinVar variation 1105699 (VCV001105699.34), dbSNP rs141850118, ClinGen allele CA9758491.